The following is an entry in ClinVar:

NM_182931.3(KMT2E):c.3376G>A (p.Glu1126Lys)

Gene: KMT2E (lysine methyltransferase 2E (inactive); plus strand). Cytogenetic location: 7q22.3.
Variant type: single nucleotide variant.
Coding change: c.3376G>A on transcript NM_182931.3 (MANE Select); coding-DNA position 3376, G replaced by A.
Protein change: p.Glu1126Lys; replaces glutamic acid 1126 with lysine.
Molecular consequence: missense variant.
Genome position (GRCh38, 1-based): chr7:105,107,833, G>A. VCF-style: chr7-105107833-G-A. GRCh37 (hg19) VCF-style: chr7-104748280-G-A.
Other names: c.3376G>A, p.Glu1126Lys (NM_001410908.1, NM_018682.4); short protein forms E1126K.
Identifiers: ClinVar variation 3631438 (VCV003631438.2).

ClinVar aggregate classification (germline): Uncertain significance (1 of 4 stars; one submission).

gnomAD v4.1: 86 of 1,614,106 alleles (0.0053%); highest among the groups gnomAD compares: Middle Eastern, 0.049%; no homozygotes.

Submission:

Labcorp Genetics (formerly Invitae), Labcorp
Classification: Uncertain significance. Last evaluated: 2026-01-27. Review status: criteria provided, single submitter. Criteria: Invitae Variant Classification Sherloc (09022015). Collection method: clinical testing. Allele origin: germline.
Comment: This sequence change replaces glutamic acid, which is acidic and polar, with lysine, which is basic and polar, at codon 1126 of the KMT2E protein (p.Glu1126Lys). This variant is present in population databases (rs146130548, gnomAD 0.03%). This variant has not been reported in the literature in individuals affected with KMT2E-related conditions. ClinVar contains an entry for this variant (Variation ID: 3631438). Invitae Evidence Modeling of protein sequence and biophysical properties (such as structural, functional, and spatial information, amino acid conservation, physicochemical variation, residue mobility, and thermodynamic stability) indicates that this missense variant is not expected to disrupt KMT2E protein function with a negative predictive value of 80%. In summary, the available evidence is currently insufficient to determine the role of this variant in disease. Therefore, it has been classified as a Variant of Uncertain Significance.